The following is an entry in ClinVar:

NM_002439.5(MSH3):c.2985G>A (p.Glu995=)

Gene: MSH3 (mutS homolog 3; plus strand). Cytogenetic location: 5q14.1.
Variant type: single nucleotide variant.
Coding change: c.2985G>A on transcript NM_002439.5 (MANE Select); coding-DNA position 2985, G replaced by A.
Protein change: p.Glu995=; no amino-acid change (glutamic acid 995 retained).
Molecular consequence: synonymous variant.
Genome position (GRCh38, 1-based): chr5:80,854,301, G>A. VCF-style: chr5-80854301-G-A. GRCh37 (hg19) VCF-style: chr5-80150120-G-A.
Identifiers: ClinVar variation 760374 (VCV000760374.16), dbSNP rs1324032838, ClinGen allele CA445165504.

ClinVar aggregate classification (germline): Conflicting classifications of pathogenicity. Review status: criteria provided, conflicting classifications (1 of 4 stars). 5 submissions from 5 submitters: Uncertain significance (1); Likely benign (4). Last evaluated 2025-12-31.

Conditions:
Hereditary cancer-predisposing syndrome. Also called: Tumor predisposition; Hereditary neoplastic syndrome; Neoplastic Syndromes, Hereditary; Hereditary Cancer Syndrome. Identifiers: Orphanet 140162, MedGen C0027672, MeSH D009386, MONDO:0015356.

Allele frequency attached by ClinVar (database versions not stated): gnomAD 0.00001; gnomAD exomes 0.00001; TOPMed 0.00002.
gnomAD v4.1: 4 of 1,613,676 alleles (0.00025%); highest among the groups gnomAD compares: Non-Finnish European, 0.00025%; no homozygotes.

Submissions (5):

Labcorp Genetics (formerly Invitae), Labcorp
Classification: Likely benign. Last evaluated: 2025-12-31. Review status: criteria provided, single submitter. Criteria: Invitae Variant Classification Sherloc (09022015). Collection method: clinical testing. Allele origin: germline.

Quest Diagnostics Nichols Institute San Juan Capistrano
Classification: Likely benign. Last evaluated: 2025-10-31. Review status: criteria provided, single submitter. Criteria: Quest Diagnostics criteria. Collection method: clinical testing. Allele origin: unknown.

Blueprint Genetics
Classification: Likely benign. Last evaluated: 2024-02-25. Review status: criteria provided, single submitter. Criteria: ACMG Guidelines, 2015. Collection method: clinical testing. Allele origin: germline.

Sema4
Classification: Uncertain significance for Hereditary cancer-predisposing syndrome. Last evaluated: 2021-11-12. Review status: criteria provided, single submitter. Criteria: Sema4 Curation Guidelines. Collection method: curation. Allele origin: germline.
Comment: The MSH3 c.2985G>A (p.E995=) variant has not been reported in the literature to our knowledge. It was observed in 2/113274 chromosomes of the Non-Finnish European population subpopulation in the large and broad cohorts of the Genome Aggregation Database (PMID: 32461654). The variant has been reported in ClinVar (Variation ID: 760374). Computational tools developed to predict the effect of sequence changes on RNA splicing suggest this variant may strengthen a cryptic splice site, but this prediction has not been confirmed by functional studies.The evidence is insufficient to meet ACMG/AMP criteria for classifying the variant as benign or pathogenic. Thus, the clinical significance of this variant is currently uncertain.

Ambry Genetics
Classification: Likely benign for Hereditary cancer-predisposing syndrome. Last evaluated: 2021-02-17. Review status: criteria provided, single submitter. Criteria: Ambry Variant Classification Scheme 2023. Collection method: clinical testing. Allele origin: germline.